The following is an entry in ClinVar:

ClinVar aggregate classification (germline): Uncertain significance (1 of 4 stars; one submission).

Submission:

GeneDx
Classification: Uncertain significance. Last evaluated: 2024-12-15. Review status: criteria provided, single submitter. Criteria: GeneDx Variant Classification Process June 2021. Collection method: clinical testing. Allele origin: germline. Affected: yes.
Comment: Not observed at significant frequency in large population cohorts (gnomAD); In silico analysis supports that this missense variant has a deleterious effect on protein structure/function; Has not been previously published as pathogenic or benign to our knowledge

NM_001967.4(EIF4A2):c.973C>T (p.Arg325Cys)

Gene: EIF4A2 (eukaryotic translation initiation factor 4A2; plus strand). Cytogenetic location: 3q27.3.
Variant type: single nucleotide variant.
Coding change: c.973C>T on transcript NM_001967.4 (MANE Select); coding-DNA position 973, C replaced by T.
Protein change: p.Arg325Cys; replaces arginine 325 with cysteine.
Molecular consequence: missense variant.
Genome position (GRCh38, 1-based): chr3:186,787,558, C>T. VCF-style: chr3-186787558-C-T. GRCh37 (hg19) VCF-style: chr3-186505347-C-T.
Other names: short protein forms R325C.
Identifiers: ClinVar variation 3903037 (VCV003903037.1).